The following is an entry in ClinVar:

NM_004423.4(DVL3):c.980+2T>A

Gene: DVL3 (dishevelled segment polarity protein 3; plus strand). Cytogenetic location: 3q27.1.
Variant type: single nucleotide variant.
Coding change: c.980+2T>A on transcript NM_004423.4 (MANE Select); the canonical splice donor site of the intron after coding-DNA position 980, T replaced by A.
Molecular consequence: splice donor variant.
Genome position (GRCh38, 1-based): chr3:184,166,524, T>A. VCF-style: chr3-184166524-T-A. GRCh37 (hg19) VCF-style: chr3-183884312-T-A.
Identifiers: ClinVar variation 2004348 (VCV002004348.4), dbSNP rs1318753006, ClinGen allele CA355409590.

ClinVar aggregate classification (germline): Uncertain significance (1 of 4 stars; one submission).

Allele frequency attached by ClinVar (database versions not stated): gnomAD exomes below 0.00001.

Submission:

Labcorp Genetics (formerly Invitae), Labcorp
Classification: Uncertain significance. Last evaluated: 2022-06-10. Review status: criteria provided, single submitter. Criteria: Invitae Variant Classification Sherloc (09022015). Collection method: clinical testing. Allele origin: germline.
Comment: In summary, the available evidence is currently insufficient to determine the role of this variant in disease. Therefore, it has been classified as a Variant of Uncertain Significance. Algorithms developed to predict the effect of sequence changes on RNA splicing suggest that this variant may disrupt the consensus splice site. This variant has not been reported in the literature in individuals affected with DVL3-related conditions. This variant is present in population databases (no rsID available, gnomAD 0.01%). This sequence change affects a donor splice site in intron 9 of the DVL3 gene. It is expected to disrupt RNA splicing. Variants that disrupt the donor or acceptor splice site typically lead to a loss of protein function (PMID: 16199547), however the current clinical and genetic evidence is not sufficient to establish whether loss-of-function variants in DVL3 cause disease.

Literature cited by the submitters: PubMed 16199547.